The following is an entry in ClinVar:

ClinVar aggregate classification (germline): Likely pathogenic (1 of 4 stars; one submission).

Conditions:
Autosomal recessive limb-girdle muscular dystrophy type 2J (LGMDR10). Also called: Limb-girdle muscular dystrophy, type 2J; MUSCULAR DYSTROPHY, LIMB-GIRDLE, AUTOSOMAL RECESSIVE 10. Identifiers: Orphanet 140922, MedGen C1837342, MONDO:0012127, OMIM 608807.
Dilated cardiomyopathy 1G (CMD1G). Identifiers: Orphanet 154, MedGen C1858763, MONDO:0011400, OMIM 604145.

Submission:

Labcorp Genetics (formerly Invitae), Labcorp
Classification: Likely pathogenic for Dilated cardiomyopathy 1G; Autosomal recessive limb-girdle muscular dystrophy type 2J. Last evaluated: 2018-04-16. Review status: criteria provided, single submitter. Criteria: Invitae Variant Classification Sherloc (09022015). Collection method: clinical testing. Allele origin: germline.
Comment: For these reasons, this variant has been classified as Likely Pathogenic. This variant is found in the A-band of this gene. While this particular variant has not been reported in the literature, truncating variants in the A-band of TTN are significantly overrepresented in patients with dilated cardiomyopathy and are considered to be likely pathogenic for the disease (PMID: 25589632). This variant has not been reported in the literature in individuals with TTN-related disease. This variant is not present in population databases (ExAC no frequency). This sequence change results in a premature translational stop signal in the TTN gene (p.Ile32491Tyrfs*12). It is expected to result in an absent or disrupted protein product.

Literature cited by the submitters: PubMed 25589632.

NM_001267550.2(TTN):c.97470_97492+248del

Genes: TTN (titin; minus strand), TTN-AS1 (TTN antisense RNA 1; plus strand). Cytogenetic location: 2q31.2.
Variant type: Deletion.
Coding change: c.97470_97492+248del on transcript NM_001267550.2 (MANE Select); coding-DNA position 97470 through 248 bases into the intron after coding-DNA position 97492, 271 bases deleted.
Molecular consequence: splice donor variant.
Genome position (GRCh38, 1-based): chr2:178,542,016-178,542,286, 271 bases deleted. GRCh37 (hg19): chr2:179,406,745-179,407,015.
Other names: c.70275_70297+248del (NM_003319.4); c.70851_70873+248del (NM_133437.4); c.70650_70672+248del (NM_133432.3); c.89766_89788+248del (NM_133378.4); c.92547_92569+248del (NM_001256850.1).
Identifiers: ClinVar variation 582707 (VCV000582707.9), dbSNP rs1559108136, ClinGen allele CA891842956.